The following is an entry in ClinVar:

NM_018444.4(PDP1):c.-45+358G>A

Genes: PDP1 (pyruvate dehydrogenase phosphatase catalytic subunit 1; plus strand), LOC130000735 (ATAC-STARR-seq lymphoblastoid silent region 19361; plus strand). Cytogenetic location: 8q22.1.
Variant type: single nucleotide variant.
Coding change: c.-45+358G>A on transcript NM_018444.4 (MANE Select); 358 bases into the intron after 45 bases upstream of the start codon, G replaced by A.
Molecular consequence: intron variant.
Genome position (GRCh38, 1-based): chr8:93,917,437, G>A. VCF-style: chr8-93917437-G-A. GRCh37 (hg19) VCF-style: chr8-94929665-G-A.
Other names: c.-5+219G>A (NM_001161779.2); c.-45+219G>A (NM_001161781.2); c.-5+358G>A (NM_001161780.2).
Identifiers: ClinVar variation 673751 (VCV000673751.1), dbSNP rs572355732, ClinGen allele CA181370265.

ClinVar aggregate classification (germline): Likely benign (1 of 4 stars; one submission).

Allele frequency attached by ClinVar (database versions not stated): TOPMed 0.01100; 1000 Genomes Project 30x 0.00781; 1000 Genomes Project 0.00819.
gnomAD v4.1: 1,493 of 152,088 alleles (0.98%); highest among the groups gnomAD compares: African/African-American, 3.3%; 22 homozygotes.

Submission:

GeneDx
Classification: Likely benign. Last evaluated: 2018-06-16. Review status: criteria provided, single submitter. Criteria: GeneDx Variant Classification (06012015). Collection method: clinical testing. Allele origin: germline. Affected: yes.
Comment: This variant is considered likely benign or benign based on one or more of the following criteria: it is a conservative change, it occurs at a poorly conserved position in the protein, it is predicted to be benign by multiple in silico algorithms, and/or has population frequency not consistent with disease.